The following is an entry in ClinVar:

ClinVar aggregate classification (germline): Uncertain significance (1 of 4 stars; one submission).

gnomAD v4.1: 96 of 1,613,962 alleles (0.0059%); highest among the groups gnomAD compares: Non-Finnish European, 0.008%; no homozygotes.

Submission:

Labcorp Genetics (formerly Invitae), Labcorp
Classification: Uncertain significance. Last evaluated: 2025-07-15. Review status: criteria provided, single submitter. Criteria: Invitae Variant Classification Sherloc (09022015). Collection method: clinical testing. Allele origin: germline.
Comment: This sequence change replaces valine, which is neutral and non-polar, with methionine, which is neutral and non-polar, at codon 2120 of the LAMA1 protein (p.Val2120Met). This variant is present in population databases (rs769166400, gnomAD 0.004%). This variant has not been reported in the literature in individuals affected with LAMA1-related conditions. Invitae Evidence Modeling of protein sequence and biophysical properties (such as structural, functional, and spatial information, amino acid conservation, physicochemical variation, residue mobility, and thermodynamic stability) has been performed for this missense variant. However, the output from this modeling did not meet the statistical confidence thresholds required to predict the impact of this variant on LAMA1 protein function. In summary, the available evidence is currently insufficient to determine the role of this variant in disease. Therefore, it has been classified as a Variant of Uncertain Significance.

NM_005559.4(LAMA1):c.6358G>A (p.Val2120Met)

Gene: LAMA1 (laminin subunit alpha 1; minus strand). Cytogenetic location: 18p11.31.
Variant type: single nucleotide variant.
Coding change: c.6358G>A on transcript NM_005559.4 (MANE Select); coding-DNA position 6358, G replaced by A.
Protein change: p.Val2120Met; replaces valine 2120 with methionine.
Molecular consequence: missense variant.
Genome position (GRCh38, 1-based): chr18:6,976,068, C>T on the plus strand (G>A on the coding strand, the complement: LAMA1 is on the minus strand). VCF-style: chr18-6976068-C-T. GRCh37 (hg19) VCF-style: chr18-6976067-C-T.
Other names: short protein forms V2120M.
Identifiers: ClinVar variation 4753863 (VCV004753863.1).